The following is an entry in ClinVar:

NM_004482.4(GALNT3):c.149C>G (p.Ser50Ter)

Gene: GALNT3 (polypeptide N-acetylgalactosaminyltransferase 3; minus strand). Cytogenetic location: 2q24.3.
Variant type: single nucleotide variant.
Coding change: c.149C>G on transcript NM_004482.4 (MANE Select); coding-DNA position 149, C replaced by G.
Protein change: p.Ser50Ter; replaces serine 50 with a stop codon.
Molecular consequence: nonsense.
Genome position (GRCh38, 1-based): chr2:165,770,552, G>C on the plus strand (C>G on the coding strand, the complement: GALNT3 is on the minus strand). VCF-style: chr2-165770552-G-C. GRCh37 (hg19) VCF-style: chr2-166627062-G-C.
Other names: short protein forms S50*.
Identifiers: ClinVar variation 2991659 (VCV002991659.4), dbSNP rs2467889965, ClinGen allele CA349044264.
Genomic context (GRCh38, chr2:165,770,552, plus strand): 5'-ACAGCTTCTAGCATTAAATCCAACATCTTGTTTTTGTTTTTCATGTTCCTTTCCATCCTT[G>C]ATTCCTCTTTGGAATATTGAACACTTACTTCTCTTTGCATTAAAACCAAAACTATTATAA-3'

ClinVar aggregate classification (germline): Pathogenic/Likely pathogenic. Review status: criteria provided, multiple submitters, no conflicts (2 of 4 stars). 2 submissions from 2 submitters: Pathogenic (1); Likely pathogenic (1). Last evaluated 2024-04-30.

Conditions:
Tumoral calcinosis, hyperphosphatemic, familial, 1. Also called: CALCINOSIS, TUMORAL, WITH HYPERPHOSPHATEMIA; LIPOCALCINOGRANULOMATOSIS; MORBUS TEUTSCHLAENDER; TEUTSCHLAENDER DISEASE, FAMILIAL; TUMORAL CALCINOSIS, PRIMARY HYPERPHOSPHATEMIC; HYPEROSTOSIS WITH HYPERPHOSPHATEMIA. Identifiers: Orphanet 53715, MedGen C4692564, MONDO:0100252, OMIM 211900.

Submissions (2):

Fulgent Genetics
Classification: Likely pathogenic for Tumoral calcinosis, hyperphosphatemic, familial, 1. Last evaluated: 2024-04-30. Review status: criteria provided, single submitter. Criteria: ACMG Guidelines, 2015. Collection method: clinical testing. Allele origin: germline.

Labcorp Genetics (formerly Invitae), Labcorp
Classification: Pathogenic. Last evaluated: 2022-11-20. Review status: criteria provided, single submitter. Criteria: Invitae Variant Classification Sherloc (09022015). Collection method: clinical testing. Allele origin: germline.
Comment: For these reasons, this variant has been classified as Pathogenic. This variant has not been reported in the literature in individuals affected with GALNT3-related conditions. This variant is not present in population databases (gnomAD no frequency). This sequence change creates a premature translational stop signal (p.Ser50*) in the GALNT3 gene. It is expected to result in an absent or disrupted protein product. Loss-of-function variants in GALNT3 are known to be pathogenic (PMID: 15133511, 20358599).

Literature cited by the submitters: PubMed 15133511 (cited by Labcorp Genetics (formerly Invitae), Labcorp); PubMed 20358599 (cited by Labcorp Genetics (formerly Invitae), Labcorp).